The following is an entry in ClinVar:

ClinVar aggregate classification (germline): Uncertain significance (1 of 4 stars; one submission).

Conditions:
Inborn genetic diseases. Identifiers: MedGen C0950123, MeSH D030342.

gnomAD v4.1: 5 of 1,611,978 alleles (0.00031%); highest among the groups gnomAD compares: Non-Finnish European, 0.00042%; no homozygotes.

Submission:

Ambry Genetics
Classification: Uncertain significance for Inborn genetic diseases. Last evaluated: 2026-05-20. Review status: criteria provided, single submitter. Criteria: Ambry Variant Classification Scheme 2023. Collection method: clinical testing. Allele origin: germline.
Comment: The c.273G>A (p.M91I) alteration is located in exon 3 (coding exon 2) of the SLC1A3 gene. This alteration results from a G to A substitution at nucleotide position 273, causing the methionine (M) at amino acid position 91 to be replaced by an isoleucine (I). Based on data from gnomAD, the A allele has an overall frequency of <0.001% (1/251450) total alleles studied. The highest observed frequency was 0.003% (1/34592) of Latino alleles. Based on insufficient or conflicting evidence, the clinical significance of this alteration remains unclear.

NM_004172.5(SLC1A3):c.273G>A (p.Met91Ile)

Gene: SLC1A3 (solute carrier family 1 member 3; plus strand). Cytogenetic location: 5p13.2.
Variant type: single nucleotide variant.
Coding change: c.273G>A on transcript NM_004172.5 (MANE Select); coding-DNA position 273, G replaced by A.
Protein change: p.Met91Ile; replaces methionine 91 with isoleucine.
Molecular consequence: missense variant. On other transcripts: 5 prime UTR variant (3), intron variant (1).
Genome position (GRCh38, 1-based): chr5:36,629,541, G>A. VCF-style: chr5-36629541-G-A. GRCh37 (hg19) VCF-style: chr5-36629643-G-A.
Other names: c.273G>A, p.Met91Ile (NM_001166695.3, NM_001289940.2, NM_001438454.1 and 5 more transcripts); c.-198G>A (NM_001438460.1, NM_001438461.1); c.-151G>A (NM_001438462.1); c.181+20937G>A (NM_001289939.2); short protein forms M91I.
Identifiers: ClinVar variation 4864565 (VCV004864565.1).
Genomic context (GRCh38, chr5:36,629,541, plus strand): 5'-CAGAATGAGCTACCGGGAAGTCAAGTACTTCTCCTTTCCTGGGGAACTTCTGATGAGGAT[G>A]TTACAGATGCTGGTCTTACCACTTATCATCTCCAGTCTTGTCACAGGTACCATAAGCAGT-3'
Protein context (NP_004163.3, residues 81-101): FSFPGELLMR[Met91Ile]LQMLVLPLII